The following is an entry in ClinVar:

ClinVar aggregate classification (germline): Pathogenic (3 of 4 stars; one submission).

Conditions:
Phenylketonuria (PKU). Also called: Phenylketonurias; Phenylketonuria (PKU); OLIGOPHRENIA PHENYLPYRUVICA; FOLLING DISEASE. Identifiers: Orphanet 716, MedGen C0031485, MONDO:0009861, OMIM 261600. Disease mechanism: loss of function.

Submission:

ClinGen PAH Variant Curation Expert Panel
Classification: Pathogenic for Phenylketonuria. Last evaluated: 2020-12-08. Review status: reviewed by expert panel. Criteria: ClinGen PAH ACMG Specifications v1. Collection method: curation. Allele origin: germline. Inheritance: Autosomal recessive inheritance.
Comment: The frameshift variant NM_000277.3(PAH):c.753del (p.Arg252GlyfsTer89) occurs in exon 7 of 13 and is predicted to result in NMD. The variant is absent from population databases, including gnomAD. One patient has been reported (PMID: 21307867) with this variant. In summary, this variant meets criteria to be classified as Pathogenic for PAH. PAH-specific ACMG/AMP criteria applied: PVS1, PM2, PP4.

NM_000277.3(PAH):c.753del (p.Arg252fs)

Gene: PAH (phenylalanine hydroxylase; minus strand). Cytogenetic location: 12q23.2.
Variant type: Deletion.
Coding change: c.753del on transcript NM_000277.3 (MANE Select); coding-DNA position 753, one base deleted (T; older notation c.753delT).
Protein change: p.Arg252fs; shifts the reading frame from arginine 252.
Molecular consequence: frameshift variant.
Genome position (GRCh38, 1-based): chr12:102,852,904, A deleted on the plus strand (T on the coding strand, the reverse complement: PAH is on the minus strand). VCF-style (leftmost placement, unchanged base first): chr12-102852903-GA-G. GRCh37 (hg19) VCF-style: chr12-103246681-GA-G.
Other names: c.753del, p.Arg252fs (NM_001354304.2); short protein forms R252fs.
Identifiers: ClinVar variation 1065386 (VCV001065386.1), dbSNP rs2136646301, ClinGen allele CA16020853.